The following is an entry in ClinVar:

ClinVar aggregate classification (germline): Uncertain significance (1 of 4 stars; one submission).

gnomAD v4.1: 2 of 1,609,530 alleles (0.00012%); highest among the groups gnomAD compares: South Asian, 0.0011%; no homozygotes.

Submission:

GeneDx
Classification: Uncertain significance. Last evaluated: 2025-07-30. Review status: criteria provided, single submitter. Criteria: GeneDx Variant Classification Process June 2021. Collection method: clinical testing. Allele origin: germline. Affected: yes.
Comment: In silico analysis supports that this missense variant has a deleterious effect on protein structure/function; Has not been previously published as pathogenic or benign to our knowledge

NM_003458.4(BSN):c.7508C>T (p.Pro2503Leu)

Gene: BSN (bassoon presynaptic cytomatrix protein; plus strand). Cytogenetic location: 3p21.31.
Variant type: single nucleotide variant.
Coding change: c.7508C>T on transcript NM_003458.4 (MANE Select); coding-DNA position 7508, C replaced by T.
Protein change: p.Pro2503Leu; replaces proline 2503 with leucine.
Molecular consequence: missense variant.
Genome position (GRCh38, 1-based): chr3:49,657,064, C>T. VCF-style: chr3-49657064-C-T. GRCh37 (hg19) VCF-style: chr3-49694497-C-T.
Other names: short protein forms P2503L.
Identifiers: ClinVar variation 4690000 (VCV004690000.1).